The following is an entry in ClinVar:

ClinVar aggregate classification (germline): Uncertain significance (1 of 4 stars; one submission).

Submission:

Ambry Genetics
Classification: Uncertain significance. Last evaluated: 2022-12-25. Review status: criteria provided, single submitter. Criteria: Ambry Variant Classification Scheme 2023. Collection method: clinical testing. Allele origin: germline.
Comment: The p.Q1335R variant (also known as c.4004A>G), located in coding exon 9 of the MLH3 gene, results from an A to G substitution at nucleotide position 4004. The glutamine at codon 1335 is replaced by arginine, an amino acid with highly similar properties. This amino acid position is conserved. In addition, the in silico prediction for this alteration is inconclusive. Since supporting evidence is limited at this time, the clinical significance of this alteration remains unclear.

NM_001040108.2(MLH3):c.4004A>G (p.Gln1335Arg)

Gene: MLH3 (mutL homolog 3; minus strand). Cytogenetic location: 14q24.3.
Variant type: single nucleotide variant.
Coding change: c.4004A>G on transcript NM_001040108.2 (MANE Select); coding-DNA position 4004, A replaced by G.
Protein change: p.Gln1335Arg; replaces glutamine 1335 with arginine.
Molecular consequence: missense variant.
Genome position (GRCh38, 1-based): chr14:75,023,002, T>C on the plus strand (A>G on the coding strand, the complement: MLH3 is on the minus strand). VCF-style: chr14-75023002-T-C. GRCh37 (hg19) VCF-style: chr14-75489705-T-C.
Other names: c.3932A>G, p.Gln1311Arg (NM_014381.3); short protein forms Q1335R, Q1311R.
Identifiers: ClinVar variation 2448635 (VCV002448635.2), dbSNP rs2503070638, ClinGen allele CA390421144.